The following is an entry in ClinVar:

ClinVar aggregate classification (germline): Benign (0 of 4 stars; one submission).

Conditions:
MYOD1-related disorder. Also called: MYOD1-related condition.

Allele frequency attached by ClinVar (database versions not stated): 1000 Genomes Project 30x 0.00344; 1000 Genomes Project 0.00399; ESP Exome Variant Server 0.00607.
gnomAD v4.1: 17,368 of 1,550,542 alleles (1.1%); highest among the groups gnomAD compares: South Asian, 1.5%; 124 homozygotes.

Submission:

PreventionGenetics, part of Exact Sciences
Classification: Benign for MYOD1-related condition. Last evaluated: 2019-02-20. Review status: no assertion criteria provided. Collection method: clinical testing. Allele origin: germline.
Comment: This variant is classified as benign based on ACMG/AMP sequence variant interpretation guidelines (Richards et al. 2015 PMID: 25741868, with internal and published modifications).

NM_002478.5(MYOD1):c.630+9G>T

Gene: MYOD1 (myogenic differentiation 1; plus strand). Cytogenetic location: 11p15.1.
Variant type: single nucleotide variant.
Coding change: c.630+9G>T on transcript NM_002478.5 (MANE Select); 9 bases into the intron after coding-DNA position 630, G replaced by T.
Molecular consequence: intron variant.
Genome position (GRCh38, 1-based): chr11:17,720,421, G>T. VCF-style: chr11-17720421-G-T. GRCh37 (hg19) VCF-style: chr11-17741968-G-T.
Identifiers: ClinVar variation 3055802 (VCV003055802.2), dbSNP rs141519188, ClinGen allele CA5906496.